The following is an entry in ClinVar:

NM_000260.4(MYO7A):c.4018G>A (p.Ala1340Thr)

Gene: MYO7A (myosin VIIA; plus strand). Cytogenetic location: 11q13.5.
Variant type: single nucleotide variant.
Coding change: c.4018G>A on transcript NM_000260.4 (MANE Select); coding-DNA position 4018, G replaced by A.
Protein change: p.Ala1340Thr; replaces alanine 1340 with threonine.
Molecular consequence: missense variant.
Genome position (GRCh38, 1-based): chr11:77,192,144, G>A. VCF-style: chr11-77192144-G-A. GRCh37 (hg19) VCF-style: chr11-76903189-G-A.
Other names: p.Ala1340Thr; c.4018G>A, p.Ala1340Thr (NM_001127180.2); c.3985G>A, p.Ala1329Thr (NM_001369365.1); short protein forms A1340T, A1329T.
Identifiers: ClinVar variation 378221 (VCV000378221.21), dbSNP rs376291076, ClinGen allele CA6198288.

ClinVar aggregate classification (germline): Conflicting classifications of pathogenicity. Review status: criteria provided, conflicting classifications (1 of 4 stars). 6 submissions from 6 submitters: Uncertain significance (2); Likely benign (1). 3 of the submissions do not count toward it. Last evaluated 2025-12-03.

Conditions:
Usher syndrome type 1B (USH1B). Also called: Usher syndrome type IB. Identifiers: MedGen C1848638, MONDO:0700087.
MYO7A-related disorder. Also called: MYO7A-related disorders.
Autosomal recessive nonsyndromic hearing loss 2. Also called: DEAFNESS, AUTOSOMAL RECESSIVE 2; NEUROSENSORY NONSYNDROMIC RECESSIVE DEAFNESS 2. Identifiers: Orphanet 90636, MedGen C1838701, MONDO:0010807, OMIM 600060.
Usher syndrome type 1 (USH1). Also called: RETINITIS PIGMENTOSA AND CONGENITAL DEAFNESS. Identifiers: Orphanet 231169, Orphanet 886, MedGen C1568247, MONDO:0010168, OMIM 276900.

Allele frequency attached by ClinVar (database versions not stated): gnomAD 0.00003 and 0.00004; TOPMed 0.00008; ESP Exome Variant Server 0.00016.
gnomAD v4.1: 76 of 1,613,960 alleles (0.0047%); highest among the groups gnomAD compares: Admixed American, 0.035%; no homozygotes.

Submissions (6):

Labcorp Genetics (formerly Invitae), Labcorp
Classification: Likely benign. Last evaluated: 2025-12-03. Review status: criteria provided, single submitter. Criteria: Invitae Variant Classification Sherloc (09022015). Collection method: clinical testing. Allele origin: germline.

GeneDx
Classification: Uncertain significance. Last evaluated: 2024-12-30. Review status: criteria provided, single submitter. Criteria: GeneDx Variant Classification Process June 2021. Collection method: clinical testing. Allele origin: germline. Affected: yes.
Comment: In silico analysis supports that this missense variant has a deleterious effect on protein structure/function; This variant is associated with the following publications: (PMID: 21738395, 16963483, 20613545)

Laboratory for Molecular Medicine, Mass General Brigham Personalized Medicine
Classification: Uncertain significance. Last evaluated: 2020-02-28. Review status: criteria provided, single submitter. Criteria: LMM Criteria. Collection method: clinical testing. Allele origin: germline. Observed: 2 variant alleles.
Comment: The p.Ala1340Thr variant in MYO7A has been previously reported in at least 3 individuals with hearing loss or Usher syndrome, however a variant affecting the remaining copy of MYO7A was not identified (Cremers 2007, Kimberling 2010, Vozzi 2011, LMM Unpublished data). This variant has also been identified in 0.13% (14/10342) of Ashkenazi Jewish chromosomes by gnomAD. Computational prediction tools and conservation analysis do not provide strong support for or against an impact to the protein. In summary, the clinical significance of this variant is uncertain. ACMG/AMP Criteria applied: BS1_Supporting.

PreventionGenetics, part of Exact Sciences
Classification: Uncertain significance for MYO7A-related condition. Last evaluated: 2024-09-26. Review status: no assertion criteria provided. Collection method: clinical testing. Allele origin: germline. Not counted in ClinVar's aggregate classification.
Comment: The MYO7A c.4018G>A variant is predicted to result in the amino acid substitution p.Ala1340Thr. This variant has been reported in the heterozygous state in three individuals with deafness or Usher syndrome, although one of these individuals was also heterozygous for a truncating variant in another Usher syndrome related gene (Kimberling et al. 2010. PubMed ID: 20613545; Vozzi et al. 2011. PubMed ID: 21738395; Cremers et al. 2006. PubMed ID: 16963483). This variant is reported in 0.14% of alleles in individuals of Ashkenazi Jewish descent in gnomAD. At this time, the clinical significance of this variant is uncertain due to the absence of conclusive functional and genetic evidence.

Natera, Inc.
Classification: Uncertain significance for Usher syndrome type 1B. Last evaluated: 2020-09-16. Review status: no assertion criteria provided. Collection method: clinical testing. Allele origin: germline. Not counted in ClinVar's aggregate classification.

Counsyl
Classification: Uncertain significance for Usher syndrome type 1; Autosomal recessive nonsyndromic hearing loss 2. Last evaluated: 2017-01-10. Review status: no assertion criteria provided. Collection method: clinical testing. Allele origin: unknown. Not counted in ClinVar's aggregate classification.

Literature cited by the submitters: PubMed 20613545 (cited by Laboratory for Molecular Medicine, Mass General Brigham Personalized Medicine and Counsyl); PubMed 16963483 (cited by Laboratory for Molecular Medicine, Mass General Brigham Personalized Medicine and Counsyl); PubMed 21738395 (cited by Laboratory for Molecular Medicine, Mass General Brigham Personalized Medicine and Counsyl).